The following is an entry in ClinVar:

NM_015450.3(POT1):c.1585G>A (p.Val529Met)

Gene: POT1 (protection of telomeres 1; minus strand). Cytogenetic location: 7q31.33.
Variant type: single nucleotide variant.
Coding change: c.1585G>A on transcript NM_015450.3 (MANE Select); coding-DNA position 1585, G replaced by A.
Protein change: p.Val529Met; replaces valine 529 with methionine.
Molecular consequence: missense variant. On other transcripts: non-coding transcript variant (2).
Genome position (GRCh38, 1-based): chr7:124,829,263, C>T on the plus strand (G>A on the coding strand, the complement: POT1 is on the minus strand). VCF-style: chr7-124829263-C-T. GRCh37 (hg19) VCF-style: chr7-124469317-C-T.
Other names: c.1192G>A, p.Val398Met (NM_001042594.2); short protein forms V529M, V398M.
Identifiers: ClinVar variation 642797 (VCV000642797.10), dbSNP rs34973253, ClinGen allele CA4465070.

ClinVar aggregate classification (germline): Uncertain significance. Review status: criteria provided, multiple submitters, no conflicts (2 of 4 stars). 2 submissions from 2 submitters: Uncertain significance (2). Last evaluated 2025-07-21.

Conditions:
Hereditary cancer-predisposing syndrome. Also called: Neoplastic Syndromes, Hereditary; Hereditary Cancer Syndrome; Tumor predisposition; Hereditary neoplastic syndrome. Identifiers: Orphanet 140162, MedGen C0027672, MeSH D009386, MONDO:0015356.
Tumor predisposition syndrome 3 (TPDS3). Also called: Melanoma, cutaneous malignant, susceptibility to, 10; Glioma susceptibility 9; LONG TELOMERE SYNDROME, POT1-RELATED; POT1 Tumor Predisposition. Identifiers: Orphanet 618, MedGen C4014476, MONDO:0014368, OMIM 615848.

Allele frequency attached by ClinVar (database versions not stated): gnomAD exomes below 0.00001 and 0.00001; ExAC 0.00001; gnomAD 0.00001.

Submissions (2):

Labcorp Genetics (formerly Invitae), Labcorp
Classification: Uncertain significance for Tumor predisposition syndrome 3. Last evaluated: 2025-07-21. Review status: criteria provided, single submitter. Criteria: Invitae Variant Classification Sherloc (09022015). Collection method: clinical testing. Allele origin: germline.
Comment: This sequence change replaces valine, which is neutral and non-polar, with methionine, which is neutral and non-polar, at codon 529 of the POT1 protein (p.Val529Met). This variant is present in population databases (rs34973253, gnomAD 0.01%). This variant has not been reported in the literature in individuals affected with POT1-related conditions. ClinVar contains an entry for this variant (Variation ID: 642797). Invitae Evidence Modeling of protein sequence and biophysical properties (such as structural, functional, and spatial information, amino acid conservation, physicochemical variation, residue mobility, and thermodynamic stability) indicates that this missense variant is not expected to disrupt POT1 protein function with a negative predictive value of 80%. In summary, the available evidence is currently insufficient to determine the role of this variant in disease. Therefore, it has been classified as a Variant of Uncertain Significance.

Ambry Genetics
Classification: Uncertain significance for Hereditary cancer-predisposing syndrome. Last evaluated: 2024-12-22. Review status: criteria provided, single submitter. Criteria: Ambry Variant Classification Scheme 2023. Collection method: clinical testing. Allele origin: germline.
Comment: The p.V529M variant (also known as c.1585G>A), located in coding exon 12 of the POT1 gene, results from a G to A substitution at nucleotide position 1585. The valine at codon 529 is replaced by methionine, an amino acid with highly similar properties. This amino acid position is well conserved in available vertebrate species. In addition, this alteration is predicted to be tolerated by in silico analysis. Since supporting evidence is limited at this time, the clinical significance of this alteration remains unclear.